The following is an entry in ClinVar:

NM_005639.3(SYT1):c.-18+4A>G

Gene: SYT1 (synaptotagmin 1; plus strand). Cytogenetic location: 12q21.2.
Variant type: single nucleotide variant.
Coding change: c.-18+4A>G on transcript NM_005639.3 (MANE Select); 4 bases into the intron after 18 bases upstream of the start codon, A replaced by G.
Molecular consequence: intron variant.
Genome position (GRCh38, 1-based): chr12:79,047,366, A>G. VCF-style: chr12-79047366-A-G. GRCh37 (hg19) VCF-style: chr12-79441146-A-G.
Other names: c.-18+4A>G (NM_001135805.2, NM_001415940.1, NM_001415943.1 and 3 more transcripts); c.-60+4A>G (NM_001415939.1); c.-18+69435A>G (NM_001415938.1, NM_001291901.2).
Identifiers: ClinVar variation 4538369 (VCV004538369.1).

ClinVar aggregate classification (germline): Uncertain significance (1 of 4 stars; one submission).

Submission:

Greenwood Genetic Center Diagnostic Laboratories, Greenwood Genetic Center
Classification: Uncertain significance. Last evaluated: 2025-04-18. Review status: criteria provided, single submitter. Criteria: ACMG Guidelines, 2015. Collection method: clinical testing. Allele origin: germline. Affected: yes.
Comment: PM2